The following is an entry in ClinVar:

NM_015340.4(LARS2):c.2291C>G (p.Ser764Trp)

Gene: LARS2 (leucyl-tRNA synthetase 2, mitochondrial; plus strand). Cytogenetic location: 3p21.31.
Variant type: single nucleotide variant.
Coding change: c.2291C>G on transcript NM_015340.4 (MANE Select); coding-DNA position 2291, C replaced by G.
Protein change: p.Ser764Trp; replaces serine 764 with tryptophan.
Molecular consequence: missense variant.
Genome position (GRCh38, 1-based): chr3:45,520,295, C>G. VCF-style: chr3-45520295-C-G. GRCh37 (hg19) VCF-style: chr3-45561787-C-G.
Other names: c.2291C>G, p.Ser764Trp (NM_001368263.1); c.2291C>G (NM_015340.3); short protein forms S764W.
Identifiers: ClinVar variation 1413459 (VCV001413459.7), dbSNP rs769530594, ClinGen allele CA2349819.

ClinVar aggregate classification (germline): Uncertain significance. Review status: criteria provided, multiple submitters, no conflicts (2 of 4 stars). 4 submissions from 4 submitters: Uncertain significance (3). 1 of the submissions does not count toward it. Last evaluated 2024-12-26.

Conditions:
LARS2-related disorder. Also called: LARS2-related condition.
Inborn genetic diseases. Identifiers: MedGen C0950123, MeSH D030342.

Allele frequency attached by ClinVar (database versions not stated): ExAC 0.00002; TOPMed 0.00002; gnomAD exomes 0.00003.
gnomAD v4.1: 14 of 1,611,236 alleles (0.00087%); highest among the groups gnomAD compares: Admixed American, 0.022%; no homozygotes.

Submissions (4):

GeneDx
Classification: Uncertain significance. Last evaluated: 2024-12-26. Review status: criteria provided, single submitter. Criteria: GeneDx Variant Classification Process June 2021. Collection method: clinical testing. Allele origin: germline. Affected: yes.
Comment: In silico analysis supports that this missense variant has a deleterious effect on protein structure/function; Has not been previously published as pathogenic or benign to our knowledge

Ambry Genetics
Classification: Uncertain significance for Inborn genetic diseases. Last evaluated: 2024-09-11. Review status: criteria provided, single submitter. Criteria: Ambry Variant Classification Scheme 2023. Collection method: clinical testing. Allele origin: germline.

Labcorp Genetics (formerly Invitae), Labcorp
Classification: Uncertain significance. Last evaluated: 2021-08-12. Review status: criteria provided, single submitter. Criteria: Invitae Variant Classification Sherloc (09022015). Collection method: clinical testing. Allele origin: germline.
Comment: This sequence change replaces serine with tryptophan at codon 764 of the LARS2 protein (p.Ser764Trp). The serine residue is weakly conserved and there is a large physicochemical difference between serine and tryptophan. This variant is present in population databases (rs769530594, ExAC 0.03%). This variant has not been reported in the literature in individuals affected with LARS2-related conditions. Algorithms developed to predict the effect of missense changes on protein structure and function output the following: SIFT: "Deleterious"; PolyPhen-2: "Benign"; Align-GVGD: "Class C0". The tryptophan amino acid residue is found in multiple mammalian species, which suggests that this missense change does not adversely affect protein function. In summary, the available evidence is currently insufficient to determine the role of this variant in disease. Therefore, it has been classified as a Variant of Uncertain Significance.

PreventionGenetics, part of Exact Sciences
Classification: Uncertain significance for LARS2-related condition. Last evaluated: 2024-08-05. Review status: no assertion criteria provided. Collection method: clinical testing. Allele origin: germline. Not counted in ClinVar's aggregate classification.
Comment: The LARS2 c.2291C>G variant is predicted to result in the amino acid substitution p.Ser764Trp. To our knowledge, this variant has not been reported in the literature. This variant is reported in 0.023% of alleles in individuals of Latino descent in gnomAD. At this time, the clinical significance of this variant is uncertain due to the absence of conclusive functional and genetic evidence.